The following is an entry in ClinVar:

NM_014795.4(ZEB2):c.854C>T (p.Thr285Ile)

Gene: ZEB2 (zinc finger E-box binding homeobox 2; minus strand). Cytogenetic location: 2q22.3.
Variant type: single nucleotide variant.
Coding change: c.854C>T on transcript NM_014795.4 (MANE Select); coding-DNA position 854, C replaced by T.
Protein change: p.Thr285Ile; replaces threonine 285 with isoleucine.
Molecular consequence: missense variant.
Genome position (GRCh38, 1-based): chr2:144,401,261, G>A on the plus strand (C>T on the coding strand, the complement: ZEB2 is on the minus strand). VCF-style: chr2-144401261-G-A. GRCh37 (hg19) VCF-style: chr2-145158828-G-A.
Other names: c.782C>T, p.Thr261Ile (NM_001171653.2); short protein forms T261I, T285I.
Identifiers: ClinVar variation 3618309 (VCV003618309.2).

ClinVar aggregate classification (germline): Uncertain significance (1 of 4 stars; one submission).

Conditions:
Mowat-Wilson syndrome (MOWS). Also called: Classic Mowat-Wilson Syndrome. Identifiers: Orphanet 2152, MedGen C1856113, MONDO:0009341, OMIM 235730.

gnomAD v4.1: 1 of 1,614,174 alleles (0.000062%); highest among the groups gnomAD compares: East Asian, 0.0022%; no homozygotes.

Submission:

Labcorp Genetics (formerly Invitae), Labcorp
Classification: Uncertain significance for Mowat-Wilson syndrome. Last evaluated: 2025-02-25. Review status: criteria provided, single submitter. Criteria: Invitae Variant Classification Sherloc (09022015). Collection method: clinical testing. Allele origin: germline.
Comment: This sequence change replaces threonine, which is neutral and polar, with isoleucine, which is neutral and non-polar, at codon 285 of the ZEB2 protein (p.Thr285Ile). This variant is not present in population databases (gnomAD no frequency). This variant has not been reported in the literature in individuals affected with ZEB2-related conditions. Invitae Evidence Modeling of protein sequence and biophysical properties (such as structural, functional, and spatial information, amino acid conservation, physicochemical variation, residue mobility, and thermodynamic stability) indicates that this missense variant is expected to disrupt ZEB2 protein function with a positive predictive value of 80%. In summary, the available evidence is currently insufficient to determine the role of this variant in disease. Therefore, it has been classified as a Variant of Uncertain Significance.